The following is an entry in ClinVar:

NM_001231.5(CASQ1):c.430T>A (p.Phe144Ile)

Gene: CASQ1 (calsequestrin 1; plus strand). Cytogenetic location: 1q23.2.
Variant type: single nucleotide variant.
Coding change: c.430T>A on transcript NM_001231.5 (MANE Select); coding-DNA position 430, T replaced by A.
Protein change: p.Phe144Ile; replaces phenylalanine 144 with isoleucine.
Molecular consequence: missense variant.
Genome position (GRCh38, 1-based): chr1:160,193,812, T>A. VCF-style: chr1-160193812-T-A. GRCh37 (hg19) VCF-style: chr1-160163602-T-A.
Other names: short protein forms F144I.
Identifiers: ClinVar variation 1469988 (VCV001469988.8), dbSNP rs2101672595, ClinGen allele CA343254092.

ClinVar aggregate classification (germline): Uncertain significance (1 of 4 stars; one submission).

Submission:

Labcorp Genetics (formerly Invitae), Labcorp
Classification: Uncertain significance. Last evaluated: 2021-06-28. Review status: criteria provided, single submitter. Criteria: Invitae Variant Classification Sherloc (09022015). Collection method: clinical testing. Allele origin: germline.
Comment: In summary, the available evidence is currently insufficient to determine the role of this variant in disease. Therefore, it has been classified as a Variant of Uncertain Significance. Algorithms developed to predict the effect of missense changes on protein structure and function (SIFT, PolyPhen-2, Align-GVGD) all suggest that this variant is likely to be tolerated, but these predictions have not been confirmed by published functional studies and their clinical significance is uncertain. This variant has not been reported in the literature in individuals with CASQ1-related conditions. This variant is not present in population databases (ExAC no frequency). This sequence change replaces phenylalanine with isoleucine at codon 144 of the CASQ1 protein (p.Phe144Ile). The phenylalanine residue is moderately conserved and there is a small physicochemical difference between phenylalanine and isoleucine.